The following is an entry in ClinVar:

NM_000081.4(LYST):c.10941-7C>A

Gene: LYST (lysosomal trafficking regulator; minus strand). Cytogenetic location: 1q42.3.
Variant type: single nucleotide variant.
Coding change: c.10941-7C>A on transcript NM_000081.4 (MANE Select); 7 bases into the intron before coding-DNA position 10941, C replaced by A.
Molecular consequence: intron variant.
Genome position (GRCh38, 1-based): chr1:235,677,195, G>T on the plus strand (C>A on the coding strand, the complement: LYST is on the minus strand). VCF-style: chr1-235677195-G-T. GRCh37 (hg19) VCF-style: chr1-235840495-G-T.
Other names: p.?; c.10941-7C>A (NM_001301365.1).
Identifiers: ClinVar variation 235367 (VCV000235367.59), dbSNP rs72761794, ClinGen allele CA1465253.

ClinVar aggregate classification (germline): Benign/Likely benign. Review status: criteria provided, multiple submitters, no conflicts (2 of 4 stars). 12 submissions from 12 submitters: Benign (6); Likely benign (4). 2 of the submissions do not count toward it. Last evaluated 2026-09-01.

Conditions:
LYST-related disorder. Also called: LYST-related condition.
Autoinflammatory syndrome. Identifiers: Orphanet 93665, MedGen C3890737, MONDO:0019751.
Chédiak-Higashi syndrome (CHS). Also called: Chediak-Higashi Syndrome. Identifiers: Orphanet 167, MedGen C0007965, MONDO:0008963, OMIM 214500.

Allele frequency attached by ClinVar (database versions not stated): 1000 Genomes Project 0.00359; 1000 Genomes Project 30x 0.00390; TOPMed 0.00559; ESP Exome Variant Server 0.00600; gnomAD 0.00614 and 0.00629; ExAC 0.00665; gnomAD exomes 0.00699 and 0.00848.
gnomAD v4.1: 13,088 of 1,587,792 alleles (0.82%); highest among the groups gnomAD compares: Middle Eastern, 1.3%; 87 homozygotes.

Submissions (20):

CeGaT Center for Human Genetics Tuebingen
Classification: Benign. Last evaluated: 2026-09-01. Review status: criteria provided, single submitter. Criteria: CeGaT Center For Human Genetics Tuebingen Variant Classification Criteria Version 2. Collection method: clinical testing. Allele origin: germline. Affected: yes. Observed: 17 variant alleles.
Comment: LYST: BP4, BS1, BS2

Labcorp Genetics (formerly Invitae), Labcorp
Classification: Benign for Chédiak-Higashi syndrome. Last evaluated: 2026-02-02. Review status: criteria provided, single submitter. Criteria: Invitae Variant Classification Sherloc (09022015). Collection method: clinical testing. Allele origin: germline.

PreventionGenetics, part of Exact Sciences
Classification: Benign for LYST-related condition. Last evaluated: 2025-07-30. Review status: criteria provided, single submitter. Criteria: ACMG Guidelines, 2015. Collection method: clinical testing. Allele origin: germline.
Comment: This variant is classified as benign based on ACMG/AMP sequence variant interpretation guidelines (Richards et al. 2015 PMID: 25741868, with internal and published modifications).

Blueprint Genetics
Classification: Likely benign. Last evaluated: 2024-11-22. Review status: criteria provided, single submitter. Criteria: ACMG Guidelines, 2015. Collection method: clinical testing. Allele origin: germline.

Mayo Clinic Laboratories, Mayo Clinic
Classification: Benign. Last evaluated: 2024-08-12. Review status: criteria provided, single submitter. Criteria: ACMG Guidelines, 2015. Collection method: clinical testing. Allele origin: germline. Observed: 46 variant alleles.
Comment: BS1, BS2, BP4, BP7

Genome Diagnostics Laboratory, The Hospital for Sick Children
Classification: Benign for Autoinflammatory syndrome. Last evaluated: 2022-01-24. Review status: criteria provided, single submitter. Criteria: ACMG Guidelines, 2015. Collection method: clinical testing. Allele origin: germline. Affected: yes.

GeneDx
Classification: Likely benign. Last evaluated: 2021-04-03. Review status: criteria provided, single submitter. Criteria: GeneDx Variant Classification Process June 2021. Collection method: clinical testing. Allele origin: germline. Affected: yes.

Clinical Genetics DNA and cytogenetics Diagnostics Lab, Erasmus MC, Erasmus Medical Center
Classification: Benign for Chédiak-Higashi syndrome. Last evaluated: 2016-11-02. Review status: criteria provided, single submitter. Criteria: ACGS Guidelines, 2013. Collection method: clinical testing. Allele origin: germline. Affected: yes. Study: VKGL Data-share Consensus.

Center for Pediatric Genomic Medicine, Children's Mercy Hospital and Clinics
Classification: Likely benign. Last evaluated: 2016-03-18. Review status: criteria provided, single submitter. Criteria: ACMG Guidelines, 2015. Collection method: clinical testing. Allele origin: germline.
ClinVar note: Converted during submission from Likely Benign to Likely benign.

Genome Diagnostics Laboratory, University Medical Center Utrecht
Classification: Likely benign for Chédiak-Higashi syndrome. Last evaluated: 2014-10-09. Review status: criteria provided, single submitter. Criteria: ACGS Guidelines, 2013. Collection method: clinical testing. Allele origin: germline. Affected: yes. Study: VKGL Data-share Consensus.

Clinical Genetics, Academic Medical Center
Classification: Benign. Review status: no assertion criteria provided. Collection method: clinical testing. Allele origin: germline. Affected: yes. Study: VKGL Data-share Consensus. Not counted in ClinVar's aggregate classification.

Dr. Peter K. Rogan Lab, Western University
No classification provided (evidence only). Condition: Malignant tumor of esophagus. Review status: no classification provided. Collection method: in vitro. Allele origin: not applicable. Functional consequence: retained intron. Not counted in ClinVar's aggregate classification.

Dr. Peter K. Rogan Lab, Western University
No classification provided (evidence only). Condition: Chronic lymphocytic leukemia/small lymphocytic lymphoma. Review status: no classification provided. Collection method: in vitro. Allele origin: not applicable. Functional consequence: retained intron. Not counted in ClinVar's aggregate classification.

Dr. Peter K. Rogan Lab, Western University
No classification provided (evidence only). Condition: Chronic lymphocytic leukemia/small lymphocytic lymphoma. Review status: no classification provided. Collection method: in vitro. Allele origin: not applicable. Functional consequence: retained intron. Not counted in ClinVar's aggregate classification.

Dr. Peter K. Rogan Lab, Western University
No classification provided (evidence only). Condition: Familial pancreatic carcinoma. Review status: no classification provided. Collection method: in vitro. Allele origin: not applicable. Functional consequence: retained intron. Not counted in ClinVar's aggregate classification.

Dr. Peter K. Rogan Lab, Western University
No classification provided (evidence only). Condition: Lung cancer. Review status: no classification provided. Collection method: in vitro. Allele origin: not applicable. Functional consequence: retained intron. Not counted in ClinVar's aggregate classification.

Dr. Peter K. Rogan Lab, Western University
No classification provided (evidence only). Condition: Acute myeloid leukemia. Review status: no classification provided. Collection method: in vitro. Allele origin: not applicable. Functional consequence: retained intron. Not counted in ClinVar's aggregate classification.

Dr. Peter K. Rogan Lab, Western University
No classification provided (evidence only). Condition: Acute myeloid leukemia. Review status: no classification provided. Collection method: in vitro. Allele origin: not applicable. Functional consequence: retained intron. Not counted in ClinVar's aggregate classification.

Dr. Peter K. Rogan Lab, Western University
No classification provided (evidence only). Condition: Cholangiocarcinoma. Review status: no classification provided. Collection method: in vitro. Allele origin: not applicable. Functional consequence: retained intron. Not counted in ClinVar's aggregate classification.

Laboratory of Diagnostic Genome Analysis, Leiden University Medical Center (LUMC)
Classification: Likely benign. Review status: no assertion criteria provided. Collection method: clinical testing. Allele origin: germline. Affected: yes. Study: VKGL Data-share Consensus. Not counted in ClinVar's aggregate classification.

Literature cited by the submitters: PubMed 37301908 (cited by Mayo Clinic Laboratories, Mayo Clinic).